The following is an entry in ClinVar:

NM_000455.5(STK11):c.159_170del (p.Asp53_Gly56del)

Gene: STK11 (serine/threonine kinase 11; plus strand). Cytogenetic location: 19p13.3.
Variant type: Deletion.
Coding change: c.159_170del on transcript NM_000455.5 (MANE Select); coding-DNA positions 159 to 170, 12 bases deleted (CCTGCTGGGGGA).
Protein change: p.Asp53_Gly56del.
Molecular consequence: inframe deletion.
Genome position (GRCh38, 1-based): chr19:1,207,072-1,207,083, CCTGCTGGGGGA deleted; deleting any 12 consecutive bases within chr19:1,207,065-1,207,083 gives the same sequence; the c. name uses the placement nearest the transcript's 3' end. VCF-style (leftmost placement, unchanged base first): chr19-1207064-ATGGGGGACCTGC-A. GRCh37 (hg19) VCF-style: chr19-1207063-ATGGGGGACCTGC-A.
Other names: c.159_170delCCTGCTGGGGGA (NM_000455.4).
Identifiers: ClinVar variation 428793 (VCV000428793.11), dbSNP rs1131690953, ClinGen allele CA645369775.

ClinVar aggregate classification (germline): Conflicting classifications of pathogenicity. Review status: criteria provided, conflicting classifications (1 of 4 stars). 3 submissions from 3 submitters: Likely pathogenic (1); Uncertain significance (1). 1 of the submissions does not count toward it. Last evaluated 2022-03-11.

Conditions:
Hereditary cancer-predisposing syndrome. Also called: Hereditary neoplastic syndrome; Tumor predisposition; Neoplastic Syndromes, Hereditary; Hereditary Cancer Syndrome. Identifiers: Orphanet 140162, MedGen C0027672, MeSH D009386, MONDO:0015356.
Peutz-Jeghers syndrome (PJS). Also called: Peutz-Jeghers polyposis; Periorificial lentiginosis syndrome; POLYPOSIS, HAMARTOMATOUS INTESTINAL; POLYPS-AND-SPOTS SYNDROME. Identifiers: Orphanet 2869, MedGen C0031269, MeSH D010580, MONDO:0008280, OMIM 175200.

Submissions (3):

Labcorp Genetics (formerly Invitae), Labcorp
Classification: Uncertain significance for Peutz-Jeghers syndrome. Last evaluated: 2022-03-11. Review status: criteria provided, single submitter. Criteria: Invitae Variant Classification Sherloc (09022015). Collection method: clinical testing. Allele origin: germline.
Comment: This variant, c.159_170del, results in the deletion of 4 amino acid(s) of the STK11 protein (p.Asp53_Gly56del), but otherwise preserves the integrity of the reading frame. This variant is not present in population databases (gnomAD no frequency). In summary, the available evidence is currently insufficient to determine the role of this variant in disease. Therefore, it has been classified as a Variant of Uncertain Significance. Experimental studies and prediction algorithms are not available or were not evaluated, and the functional significance of this variant is currently unknown. ClinVar contains an entry for this variant (Variation ID: 428793). This variant has not been reported in the literature in individuals affected with STK11-related conditions.

Ambry Genetics
Classification: Likely pathogenic for Hereditary cancer-predisposing syndrome. Last evaluated: 2016-09-13. Review status: criteria provided, single submitter. Criteria: Ambry Autosomal Dominant and X-Linked criteria (10/2015). Collection method: clinical testing. Allele origin: germline. Observed: 1 variant allele.
Comment: The c.159_170del12 variant (also known as p.D53_G56del) is located in coding exon 1 of the STK11 gene. This variant results from an in-frame deletion of 12 nucleotides (CCTGCTGGGGGA) at positions 159 to 170. This results in the deletion of a four residues at codons 53 to 56. Structural analysis has concluded that this alteration removes a key gylcine rich kinase motif, and thus, leads to a deleterious functional effect on the protein (Lahiry P et al. Nat. Rev. Genet., 2010 Jan;11:60-74; Ambry internal data). Further, a similar in-frame deletion of the STK11 gene, c.151_162del12, has been reported in individuals with a clinical diagnosis of Peutz-Jeghers syndrome (Resta N, Dig Liver Dis 2013 Jul; 45(7):606-11, Ambry internal data). The c.159_170del12 variant was not reported in population based cohorts in the following databases: Database of Single Nucleotide Polymorphisms (dbSNP), NHLBI Exome Sequencing Project (ESP), and 1000 Genomes Project, however this position was not covered in the ESP. This amino acid region is highly conserved in available vertebrate species. Based on the majority of available evidence to date, this variant is likely to be pathogenic.

Mayo Clinic Laboratories, Mayo Clinic
Classification: Uncertain significance. Review status: no assertion criteria provided. Collection method: clinical testing. Allele origin: unknown. Not counted in ClinVar's aggregate classification.